The following is an entry in ClinVar:

ClinVar aggregate classification (germline): Uncertain significance. Review status: criteria provided, multiple submitters, no conflicts (2 of 4 stars). 2 submissions from 2 submitters: Uncertain significance (2). Last evaluated 2025-05-02.

Conditions:
Developmental and epileptic encephalopathy 94 (DEE94). Also called: Epileptic encephalopathy, childhood-onset; CHD2-Related Neurodevelopmental Disorders. Identifiers: Orphanet 1942, Orphanet 2382, MedGen C3809278, MONDO:0014150, OMIM 615369.

Allele frequency attached by ClinVar (database versions not stated): gnomAD exomes 0.00001; ExAC 0.00001.
gnomAD v4.1: 13 of 1,613,920 alleles (0.00081%); highest among the groups gnomAD compares: Non-Finnish European, 0.0011%; no homozygotes.

Submissions (2):

GeneDx
Classification: Uncertain significance. Last evaluated: 2025-05-02. Review status: criteria provided, single submitter. Criteria: GeneDx Variant Classification Process June 2021. Collection method: clinical testing. Allele origin: germline.
Comment: In silico analysis supports that this missense variant has a deleterious effect on protein structure/function; Has not been previously published as pathogenic or benign to our knowledge

Labcorp Genetics (formerly Invitae), Labcorp
Classification: Uncertain significance for Developmental and epileptic encephalopathy 94. Last evaluated: 2024-03-23. Review status: criteria provided, single submitter. Criteria: Invitae Variant Classification Sherloc (09022015). Collection method: clinical testing. Allele origin: germline.
Comment: This sequence change replaces glutamic acid, which is acidic and polar, with lysine, which is basic and polar, at codon 339 of the CHD2 protein (p.Glu339Lys). This variant is present in population databases (rs771360010, gnomAD 0.0009%). This variant has not been reported in the literature in individuals affected with CHD2-related conditions. ClinVar contains an entry for this variant (Variation ID: 2580654). Advanced modeling of protein sequence and biophysical properties (such as structural, functional, and spatial information, amino acid conservation, physicochemical variation, residue mobility, and thermodynamic stability) performed at Invitae indicates that this missense variant is not expected to disrupt CHD2 protein function with a negative predictive value of 95%. In summary, the available evidence is currently insufficient to determine the role of this variant in disease. Therefore, it has been classified as a Variant of Uncertain Significance.

NM_001271.4(CHD2):c.1015G>A (p.Glu339Lys)

Gene: CHD2 (chromodomain helicase DNA binding protein 2; plus strand). Cytogenetic location: 15q26.1.
Variant type: single nucleotide variant.
Coding change: c.1015G>A on transcript NM_001271.4 (MANE Select); coding-DNA position 1015, G replaced by A.
Protein change: p.Glu339Lys; replaces glutamic acid 339 with lysine.
Molecular consequence: missense variant.
Genome position (GRCh38, 1-based): chr15:92,943,031, G>A. VCF-style: chr15-92943031-G-A. GRCh37 (hg19) VCF-style: chr15-93486261-G-A.
Other names: c.1015G>A, p.Glu339Lys (NM_001042572.3); short protein forms E339K.
Identifiers: ClinVar variation 2580654 (VCV002580654.5), dbSNP rs771360010, ClinGen allele CA7747673.